The following is an entry in ClinVar:

ClinVar aggregate classification (germline): Uncertain significance (1 of 4 stars; one submission).

gnomAD v4.1: 3 of 1,210,483 alleles (0.00025%); highest among the groups gnomAD compares: Non-Finnish European, 0.00034%; no homozygotes.

Submission:

GeneDx
Classification: Uncertain significance. Last evaluated: 2023-06-24. Review status: criteria provided, single submitter. Criteria: GeneDx Variant Classification Process June 2021. Collection method: clinical testing. Allele origin: germline. Affected: yes.
Comment: Not observed at significant frequency in large population cohorts (gnomAD); Has not been previously published as pathogenic or benign to our knowledge; In silico analysis supports that this missense variant has a deleterious effect on protein structure/function

NM_000132.4(F8):c.4247C>T (p.Pro1416Leu)

Gene: F8 (coagulation factor VIII; minus strand). Cytogenetic location: Xq28.
Variant type: single nucleotide variant.
Coding change: c.4247C>T on transcript NM_000132.4 (MANE Select); coding-DNA position 4247, C replaced by T.
Protein change: p.Pro1416Leu; replaces proline 1416 with leucine.
Molecular consequence: missense variant.
Genome position (GRCh38, 1-based): chrX:154,929,543, G>A on the plus strand (C>T on the coding strand, the complement: F8 is on the minus strand). VCF-style: chrX-154929543-G-A. GRCh37 (hg19) VCF-style: chrX-154157818-G-A.
Other names: short protein forms P1416L.
Identifiers: ClinVar variation 3359974 (VCV003359974.1).